The following is an entry in ClinVar:

NM_004064.5(CDKN1B):c.464C>T (p.Pro155Leu)

Gene: CDKN1B (cyclin dependent kinase inhibitor 1B; plus strand). Cytogenetic location: 12p13.1.
Variant type: single nucleotide variant.
Coding change: c.464C>T on transcript NM_004064.5 (MANE Select); coding-DNA position 464, C replaced by T.
Protein change: p.Pro155Leu; replaces proline 155 with leucine.
Molecular consequence: missense variant.
Genome position (GRCh38, 1-based): chr12:12,718,303, C>T. VCF-style: chr12-12718303-C-T. GRCh37 (hg19) VCF-style: chr12-12871237-C-T.
Other names: c.464C>T (NM_004064.3); short protein forms P155L.
Identifiers: ClinVar variation 937184 (VCV000937184.10), dbSNP rs143879243, ClinGen allele CA383970958.
Genomic context (GRCh38, chr12:12,718,303, plus strand): 5'-CTGATCCGTCGGACAGCCAGACGGGGTTAGCGGAGCAATGCGCAGGAATAAGGAAGCGAC[C>T]TGCAACCGACGGTAATGACCCTTTCCCAACCATAGAATGTGTTTGGGGCCCCGCTTTGCC-3'
Protein context (NP_004055.1, residues 145-165): AEQCAGIRKR[Pro155Leu]ATDDSSTQNK

ClinVar aggregate classification (germline): Uncertain significance. Review status: criteria provided, multiple submitters, no conflicts (2 of 4 stars). 2 submissions from 2 submitters: Uncertain significance (2). Last evaluated 2026-01-13.

Conditions:
Multiple endocrine neoplasia type 4. Also called: MULTIPLE ENDOCRINE NEOPLASIA, TYPE IV. Identifiers: Orphanet 276152, MedGen C1970712, MONDO:0012552, OMIM 610755.
Hereditary cancer-predisposing syndrome. Also called: Tumor predisposition; Hereditary neoplastic syndrome; Neoplastic Syndromes, Hereditary; Hereditary Cancer Syndrome. Identifiers: Orphanet 140162, MedGen C0027672, MeSH D009386, MONDO:0015356.

Submissions (2):

Labcorp Genetics (formerly Invitae), Labcorp
Classification: Uncertain significance for Multiple endocrine neoplasia type 4. Last evaluated: 2026-01-13. Review status: criteria provided, single submitter. Criteria: Invitae Variant Classification Sherloc (09022015). Collection method: clinical testing. Allele origin: germline.
Comment: This sequence change replaces proline, which is neutral and non-polar, with leucine, which is neutral and non-polar, at codon 155 of the CDKN1B protein (p.Pro155Leu). This variant is not present in population databases (gnomAD no frequency). This variant has not been reported in the literature in individuals affected with CDKN1B-related conditions. ClinVar contains an entry for this variant (Variation ID: 937184). An algorithm developed to predict the effect of missense changes on protein structure and function (PolyPhen-2) suggests that this variant is likely to be disruptive. In summary, the available evidence is currently insufficient to determine the role of this variant in disease. Therefore, it has been classified as a Variant of Uncertain Significance.

Ambry Genetics
Classification: Uncertain significance for Hereditary cancer-predisposing syndrome. Last evaluated: 2025-04-16. Review status: criteria provided, single submitter. Criteria: Ambry Variant Classification Scheme 2023. Collection method: clinical testing. Allele origin: germline.
Comment: The p.P155L variant (also known as c.464C>T), located in coding exon 1 of the CDKN1B gene, results from a C to T substitution at nucleotide position 464. The proline at codon 155 is replaced by leucine, an amino acid with similar properties. This amino acid position is well conserved in available vertebrate species. In addition, this alteration is predicted to be tolerated by in silico analysis. Based on the available evidence, the clinical significance of this variant remains unclear.